The following is an entry in ClinVar:

NM_015346.4(ZFYVE26):c.1564C>T (p.Gln522Ter)

Gene: ZFYVE26 (zinc finger FYVE-type containing 26; minus strand). Cytogenetic location: 14q24.1.
Variant type: single nucleotide variant.
Coding change: c.1564C>T on transcript NM_015346.4 (MANE Select); coding-DNA position 1564, C replaced by T.
Protein change: p.Gln522Ter; replaces glutamine 522 with a stop codon.
Molecular consequence: nonsense.
Genome position (GRCh38, 1-based): chr14:67,802,154, G>A on the plus strand (C>T on the coding strand, the complement: ZFYVE26 is on the minus strand). VCF-style: chr14-67802154-G-A. GRCh37 (hg19) VCF-style: chr14-68268871-G-A.
Other names: short protein forms Q522*.
Identifiers: ClinVar variation 1031907 (VCV001031907.1), dbSNP rs2040089822, ClinGen allele CA390176359.
Genomic context (GRCh38, chr14:67,802,154, plus strand): 5'-AGTCATTCGCTGGCTCTGTAGCTGAGGCCAGGTCCTCAGAGAGGCTGTCTTTGCAGTCCT[G>A]GCACTGGGAGTGCTGGTGTGAGTTTACACAGAGGGCATAGATGGCATACTTCATGGCACA-3'

ClinVar aggregate classification (germline): Pathogenic (1 of 4 stars; one submission).

Conditions:
Hereditary spastic paraplegia 15 (SPG15). Also called: KJELLIN SYNDROME; SPASTIC PARAPLEGIA AND RETINAL DEGENERATION; SPASTIC PARAPLEGIA 15, AUTOSOMAL RECESSIVE. Identifiers: Orphanet 100996, MedGen C1849128, MONDO:0010044, OMIM 270700.

Submission:

Baylor Genetics
Classification: Pathogenic for Hereditary spastic paraplegia 15. Last evaluated: 2018-11-14. Review status: criteria provided, single submitter. Criteria: ACMG Guidelines, 2015. Collection method: clinical testing. Allele origin: paternal. Affected: yes.
Comment: This variant was determined to be pathogenic according to ACMG Guidelines, 2015 [PMID:25741868].